The following is an entry in ClinVar:

ClinVar aggregate classification (germline): Uncertain significance (1 of 4 stars; one submission).

gnomAD v4.1: 1 of 1,600,558 alleles (0.000062%); highest among the groups gnomAD compares: East Asian, 0.0023%; no homozygotes.

Submission:

Labcorp Genetics (formerly Invitae), Labcorp
Classification: Uncertain significance. Last evaluated: 2024-05-10. Review status: criteria provided, single submitter. Criteria: Invitae Variant Classification Sherloc (09022015). Collection method: clinical testing. Allele origin: germline.
Comment: This sequence change replaces isoleucine, which is neutral and non-polar, with valine, which is neutral and non-polar, at codon 364 of the FSCN2 protein (p.Ile364Val). This variant is not present in population databases (gnomAD no frequency). This variant has not been reported in the literature in individuals affected with FSCN2-related conditions. Algorithms developed to predict the effect of missense changes on protein structure and function output the following: SIFT: "Not Available"; PolyPhen-2: "Benign"; Align-GVGD: "Not Available". The valine amino acid residue is found in multiple mammalian species, which suggests that this missense change does not adversely affect protein function. In summary, the available evidence is currently insufficient to determine the role of this variant in disease. Therefore, it has been classified as a Variant of Uncertain Significance.

NM_012418.4(FSCN2):c.1090A>G (p.Ile364Val)

Gene: FSCN2 (fascin actin-bundling protein 2, retinal; plus strand). Cytogenetic location: 17q25.3.
Variant type: single nucleotide variant.
Coding change: c.1090A>G on transcript NM_012418.4 (MANE Select); coding-DNA position 1090, A replaced by G.
Protein change: p.Ile364Val; replaces isoleucine 364 with valine.
Molecular consequence: missense variant.
Genome position (GRCh38, 1-based): chr17:81,536,252, A>G. VCF-style: chr17-81536252-A-G. GRCh37 (hg19) VCF-style: chr17-79503278-A-G.
Other names: c.1090A>G, p.Ile364Val (NM_001077182.3); short protein forms I364V.
Identifiers: ClinVar variation 3652978 (VCV003652978.2).